The following is an entry in ClinVar:

ClinVar aggregate classification (germline): Uncertain significance (1 of 4 stars; one submission).

Conditions:
Gastrointestinal stromal tumor. Also called: Gastrointestinal stroma tumor; Gastrointestinal stromal tumor, somatic. Identifiers: Orphanet 44890, MedGen C0238198, MeSH D046152, MONDO:0011719, OMIM 606764, HP:0100723.

Allele frequency attached by ClinVar (database versions not stated): gnomAD exomes below 0.00001 and 0.00001; TOPMed below 0.00001; ExAC 0.00001; gnomAD 0.00001.
gnomAD v4.1: 4 of 1,613,296 alleles (0.00025%); highest among the groups gnomAD compares: East Asian, 0.0045%; no homozygotes.

Submission:

Labcorp Genetics (formerly Invitae), Labcorp
Classification: Uncertain significance for Gastrointestinal stromal tumor. Last evaluated: 2025-10-01. Review status: criteria provided, single submitter. Criteria: Invitae Variant Classification Sherloc (09022015). Collection method: clinical testing. Allele origin: germline.
Comment: This sequence change falls in intron 13 of the KIT gene. It does not directly change the encoded amino acid sequence of the KIT protein. It affects a nucleotide within the consensus splice site. This variant is present in population databases (rs768551420, gnomAD 0.007%). This variant has not been reported in the literature in individuals affected with KIT-related conditions. ClinVar contains an entry for this variant (Variation ID: 1373981). Variants that disrupt the consensus splice site are a relatively common cause of aberrant splicing (PMID: 17576681, 9536098). Algorithms developed to predict the effect of sequence changes on RNA splicing suggest that this variant is not likely to affect RNA splicing. In summary, the available evidence is currently insufficient to determine the role of this variant in disease. Therefore, it has been classified as a Variant of Uncertain Significance.

Literature cited by the submitters: PubMed 17576681; PubMed 9536098.

NM_000222.3(KIT):c.1991-3T>C

Gene: KIT (KIT proto-oncogene, receptor tyrosine kinase; plus strand). Cytogenetic location: 4q12.
Variant type: single nucleotide variant.
Coding change: c.1991-3T>C on transcript NM_000222.3 (MANE Select); 3 bases into the intron before coding-DNA position 1991, T replaced by C.
Molecular consequence: intron variant.
Genome position (GRCh38, 1-based): chr4:54,729,332, T>C. VCF-style: chr4-54729332-T-C. GRCh37 (hg19) VCF-style: chr4-55595498-T-C.
Other names: c.1994-3T>C (NM_001385284.1, NM_001385290.1); c.1982-3T>C (NM_001385288.1, NM_001385292.1); c.1991-3T>C (NM_001385285.1); c.1979-3T>C (NM_001093772.2, NM_001385286.1).
Identifiers: ClinVar variation 1373981 (VCV001373981.6), dbSNP rs768551420, ClinGen allele CA2923629.
Genomic context (GRCh38, chr4:54,729,332, plus strand): 5'-ATGGGAGGCAGAATTAATCTATATATCTCACCTTCTTTCTAACCTTTTCTTATGTGCTTT[T>C]AGGGCCCACCCTGGTCATTACAGAATATTGTTGCTATGGTGATCTTTTGAATTTTTTGAG-3'